The following is an entry in ClinVar:

NM_000179.3(MSH6):c.3647-10A>C

Gene: MSH6 (mutS homolog 6; plus strand). Cytogenetic location: 2p16.3.
Variant type: single nucleotide variant.
Coding change: c.3647-10A>C on transcript NM_000179.3 (MANE Select); 10 bases into the intron before coding-DNA position 3647, A replaced by C.
Molecular consequence: intron variant.
Genome position (GRCh38, 1-based): chr2:47,806,194, A>C. VCF-style: chr2-47806194-A-C. GRCh37 (hg19) VCF-style: chr2-48033333-A-C.
Other names: c.2741-10A>C (NM_001281493.2, NM_001281494.2); c.3257-10A>C (NM_001281492.2).
Identifiers: ClinVar variation 495717 (VCV000495717.20), dbSNP rs756569687, ClinGen allele CA071697.

ClinVar aggregate classification (germline): Likely benign. Review status: criteria provided, multiple submitters, no conflicts (2 of 4 stars). 5 submissions from 5 submitters: Likely benign (5). Last evaluated 2025-01-07.

Conditions:
Lynch syndrome. Identifiers: Orphanet 144, MedGen C4552100, MONDO:0005835. Disease mechanism: loss of function.
Hereditary cancer-predisposing syndrome. Also called: Tumor predisposition; Neoplastic Syndromes, Hereditary; Hereditary neoplastic syndrome; Hereditary Cancer Syndrome. Identifiers: Orphanet 140162, MedGen C0027672, MeSH D009386, MONDO:0015356.
Hereditary nonpolyposis colorectal neoplasms. Identifiers: MedGen C0009405, MeSH D003123.
Lynch syndrome 5 (LYNCH5). Also called: Colorectal cancer, hereditary nonpolyposis, type 5; Hereditary non-polyposis colorectal cancer, type 5. Identifiers: Orphanet 144, MedGen C1833477, MONDO:0013710, OMIM 614350. Disease mechanism: loss of function.

Allele frequency attached by ClinVar (database versions not stated): gnomAD exomes below 0.00001; ExAC 0.00001; gnomAD 0.00001; TOPMed 0.00002.
gnomAD v4.1: 1 of 1,613,038 alleles (0.000062%); highest among the groups gnomAD compares: African/African-American, 0.0013%; no homozygotes.

Submissions (5):

Myriad Genetics, Inc.
Classification: Likely benign for Lynch syndrome 5. Last evaluated: 2025-01-07. Review status: criteria provided, single submitter. Criteria: Myriad Autosomal Dominant, Autosomal Recessive and X-Linked Classification Criteria (2023). Collection method: clinical testing. Allele origin: unknown.
Comment: This variant is considered likely benign. This variant is intronic and is not expected to impact mRNA splicing.

Women's Health and Genetics/Laboratory Corporation of America, LabCorp
Classification: Likely benign. Last evaluated: 2024-12-12. Review status: criteria provided, single submitter. Criteria: LabCorp Variant Classification Summary - May 2015. Collection method: clinical testing. Allele origin: germline.

All of Us Research Program, National Institutes of Health
Classification: Likely benign for Lynch syndrome. Last evaluated: 2024-05-30. Review status: criteria provided, single submitter. Criteria: ACMG Guidelines, 2015. Collection method: clinical testing. Allele origin: germline. Inheritance: Autosomal dominant inheritance. Observed: 1 variant allele, 1 heterozygote.
Comment: This study involves interpretation of variants in research participants for the purpose of population health screening. Participant phenotype was not available at the time of variant classification. Additional details can be found in publication PMID: 35346344, PMCID: PMC8962531

Color Diagnostics, LLC DBA Color Health
Classification: Likely benign for Hereditary cancer-predisposing syndrome. Last evaluated: 2024-05-01. Review status: criteria provided, single submitter. Criteria: ACMG Guidelines, 2015. Collection method: clinical testing. Allele origin: germline.

Labcorp Genetics (formerly Invitae), Labcorp
Classification: Likely benign for Hereditary nonpolyposis colorectal neoplasms. Last evaluated: 2022-10-20. Review status: criteria provided, single submitter. Criteria: Invitae Variant Classification Sherloc (09022015). Collection method: clinical testing. Allele origin: germline.